The following is an entry in ClinVar:

ClinVar aggregate classification (germline): Uncertain significance (1 of 4 stars; one submission).

Conditions:
Inborn genetic diseases. Identifiers: MedGen C0950123, MeSH D030342.

Submission:

Ambry Genetics
Classification: Uncertain significance for Inborn genetic diseases. Last evaluated: 2025-12-07. Review status: criteria provided, single submitter. Criteria: Ambry Variant Classification Scheme 2023. Collection method: clinical testing. Allele origin: germline.
Comment: The p.T205A variant (also known as c.613A>G), located in coding exon 1 of the SAMD9 gene, results from an A to G substitution at nucleotide position 613. The threonine at codon 205 is replaced by alanine, an amino acid with similar properties. This amino acid position is conserved. In addition, this alteration is predicted to be tolerated by in silico analysis. Based on the available evidence, the clinical significance of this variant remains unclear.

NM_017654.4(SAMD9):c.613A>G (p.Thr205Ala)

Gene: SAMD9 (sterile alpha motif domain containing 9; minus strand). Cytogenetic location: 7q21.2.
Variant type: single nucleotide variant.
Coding change: c.613A>G on transcript NM_017654.4 (MANE Select); coding-DNA position 613, A replaced by G.
Protein change: p.Thr205Ala; replaces threonine 205 with alanine.
Molecular consequence: missense variant.
Genome position (GRCh38, 1-based): chr7:93,105,485, T>C on the plus strand (A>G on the coding strand, the complement: SAMD9 is on the minus strand). VCF-style: chr7-93105485-T-C. GRCh37 (hg19) VCF-style: chr7-92734798-T-C.
Other names: c.613A>G, p.Thr205Ala (NM_001193307.2); short protein forms T205A.
Identifiers: ClinVar variation 4629984 (VCV004629984.1).
Genomic context (GRCh38, chr7:93,105,485, plus strand): 5'-CTGAAGCAAATCGGAAAACCTCATTGCTAAATTTCATCTTGACATCCTCTTCTGTGGCTG[T>C]TGCTGTATTTGTGAAGGCTTTGAATTCATGTATCGGATCAATGAGATTGCCTGGTCCTGT-3'
Protein context (NP_060124.2, residues 195-215): HEFKAFTNTA[Thr205Ala]ATEEDVKMKF